The following is an entry in ClinVar:

ClinVar aggregate classification (germline): Uncertain significance. Review status: criteria provided, multiple submitters, no conflicts (2 of 4 stars). 2 submissions from 2 submitters: Uncertain significance (2). Last evaluated 2024-01-03.

Allele frequency attached by ClinVar (database versions not stated): gnomAD exomes below 0.00001; TOPMed 0.00001; gnomAD 0.00002.
gnomAD v4.1: 4 of 1,613,910 alleles (0.00025%); highest among the groups gnomAD compares: Admixed American, 0.0067%; no homozygotes.

Submissions (2):

Ambry Genetics
Classification: Uncertain significance. Last evaluated: 2024-01-03. Review status: criteria provided, single submitter. Criteria: Ambry Variant Classification Scheme 2023. Collection method: clinical testing. Allele origin: germline.
Comment: The p.D511G variant (also known as c.1532A>G), located in coding exon 11 of the RINT1 gene, results from an A to G substitution at nucleotide position 1532. The aspartic acid at codon 511 is replaced by glycine, an amino acid with similar properties. This amino acid position is well conserved in available vertebrate species. In addition, this alteration is predicted to be tolerated by in silico analysis. The evidence for this gene-disease relationship is limited; therefore, the clinical significance of this alteration is unclear.

Labcorp Genetics (formerly Invitae), Labcorp
Classification: Uncertain significance. Last evaluated: 2023-04-14. Review status: criteria provided, single submitter. Criteria: Invitae Variant Classification Sherloc (09022015). Collection method: clinical testing. Allele origin: germline.
Comment: In summary, the available evidence is currently insufficient to determine the role of this variant in disease. Therefore, it has been classified as a Variant of Uncertain Significance. An algorithm developed to predict the effect of missense changes on protein structure and function (PolyPhen-2) suggests that this variant is likely to be disruptive. ClinVar contains an entry for this variant (Variation ID: 1774648). This variant has not been reported in the literature in individuals affected with RINT1-related conditions. This variant is present in population databases (no rsID available, gnomAD 0.003%). This sequence change replaces aspartic acid, which is acidic and polar, with glycine, which is neutral and non-polar, at codon 511 of the RINT1 protein (p.Asp511Gly).

NM_021930.6(RINT1):c.1532A>G (p.Asp511Gly)

Gene: RINT1 (RAD50 interactor 1; plus strand). Cytogenetic location: 7q22.3.
Variant type: single nucleotide variant.
Coding change: c.1532A>G on transcript NM_021930.6 (MANE Select); coding-DNA position 1532, A replaced by G.
Protein change: p.Asp511Gly; replaces aspartic acid 511 with glycine.
Molecular consequence: missense variant.
Genome position (GRCh38, 1-based): chr7:105,555,088, A>G. VCF-style: chr7-105555088-A-G. GRCh37 (hg19) VCF-style: chr7-105195535-A-G.
Other names: c.1298A>G, p.Asp433Gly (NM_001346599.2); c.509A>G, p.Asp170Gly (NM_001346600.2, NM_001346603.2); c.608A>G, p.Asp203Gly (NM_001346601.2); short protein forms D511G, D170G, D203G, D433G.
Identifiers: ClinVar variation 1774648 (VCV001774648.5), dbSNP rs1475581928, ClinGen allele CA368811493.
Genomic context (GRCh38, chr7:105,555,088, plus strand): 5'-ACAGGTATAAAAATCTTCCCACAGCTTCCCGAAAGCTTCAGTTCCTGGAGTTACAGAAGG[A>G]CTTAGTAGATGATTTTAGGATACGATTAACACAAGTGATGAAAGAAGAGACTAGAGCTTC-3'
Protein context (NP_068749.3, residues 501-521): RKLQFLELQK[Asp511Gly]LVDDFRIRLT